The following is an entry in ClinVar:

ClinVar aggregate classification (germline): Conflicting classifications of pathogenicity. Review status: criteria provided, conflicting classifications (1 of 4 stars). 2 submissions from 2 submitters: Uncertain significance (1); Likely benign (1). Last evaluated 2024-09-18.

Submissions (2):

Women's Health and Genetics/Laboratory Corporation of America, LabCorp
Classification: Uncertain significance. Last evaluated: 2024-09-18. Review status: criteria provided, single submitter. Criteria: LabCorp Variant Classification Summary - May 2015. Collection method: clinical testing. Allele origin: germline.
Comment: Variant summary: HBB c.334G>C (p.Val112Leu) results in a conservative amino acid change located in the Globin domain (Globin) of the encoded protein sequence. Four of five in-silico tools predict a benign effect of the variant on protein function. The variant was absent in 251234 control chromosomes. The available data on variant occurrences in the general population are insufficient to allow any conclusion about variant significance. c.334G>C has been reported in the literature cis with another missense variant in individuals without clinical features of Beta Thalassemia (Qin_1994). These report(s) do not provide unequivocal conclusions about association of the variant with Beta Thalassemia. To our knowledge, no experimental evidence demonstrating an impact on protein function has been reported. The following publication have been ascertained in the context of this evaluation (PMID: 7852084). ClinVar contains an entry for this variant (Variation ID: 478878). Based on the evidence outlined above, the variant was classified as uncertain significance.

ARUP Laboratories, Molecular Genetics and Genomics, ARUP Laboratories
Classification: Likely benign. Last evaluated: 2021-11-23. Review status: criteria provided, single submitter. Criteria: ARUP Molecular Germline Variant Investigation Process 2021. Collection method: clinical testing. Allele origin: germline.

Literature cited by the submitters: PubMed 7852084 (cited by Women's Health and Genetics/Laboratory Corporation of America, LabCorp).

NM_000518.5(HBB):c.334G>C (p.Val112Leu)

Genes: HBB (hemoglobin subunit beta; minus strand), LOC107133510 (origin of replication at HBB; plus strand), LOC110006319 (beta-globin gene 3' regulatory region; plus strand). Cytogenetic location: 11p15.4.
Variant type: single nucleotide variant.
Coding change: c.334G>C on transcript NM_000518.5 (MANE Select); coding-DNA position 334, G replaced by C.
Protein change: p.Val112Leu; replaces valine 112 with leucine.
Molecular consequence: missense variant.
Genome position (GRCh38, 1-based): chr11:5,225,708, C>G on the plus strand (G>C on the coding strand, the complement: HBB is on the minus strand). VCF-style: chr11-5225708-C-G. GRCh37 (hg19) VCF-style: chr11-5246938-C-G.
Other names: V111L; short protein forms V112L.
Identifiers: ClinVar variation 478878 (VCV000478878.9), dbSNP rs33957964, ClinGen allele CA037014.